The following is an entry in ClinVar:

NM_000165.5(GJA1):c.689A>G (p.Tyr230Cys)

Gene: GJA1 (gap junction protein alpha 1; plus strand). Cytogenetic location: 6q22.31.
Variant type: single nucleotide variant.
Coding change: c.689A>G on transcript NM_000165.5 (MANE Select); coding-DNA position 689, A replaced by G.
Protein change: p.Tyr230Cys; replaces tyrosine 230 with cysteine.
Molecular consequence: missense variant.
Genome position (GRCh38, 1-based): chr6:121,447,536, A>G. VCF-style: chr6-121447536-A-G. GRCh37 (hg19) VCF-style: chr6-121768682-A-G.
Other names: short protein forms Y230C.
Identifiers: ClinVar variation 4737739 (VCV004737739.3).

ClinVar aggregate classification (germline): Uncertain significance. Review status: criteria provided, multiple submitters, no conflicts (2 of 4 stars). 2 submissions from 2 submitters: Uncertain significance (2). Last evaluated 2025-06-17.

Conditions:
Oculodentodigital dysplasia, autosomal recessive. Also called: OCULODENTOOSSEOUS DYSPLASIA, AUTOSOMAL RECESSIVE; ODDD, AUTOSOMAL RECESSIVE; ODOD, AUTOSOMAL RECESSIVE. Identifiers: Orphanet 2710, MedGen C2749477, MONDO:0009768, OMIM 257850.

Submissions (2):

Labcorp Genetics (formerly Invitae), Labcorp
Classification: Uncertain significance for Oculodentodigital dysplasia, autosomal recessive. Last evaluated: 2025-06-17. Review status: criteria provided, single submitter. Criteria: Invitae Variant Classification Sherloc (09022015). Collection method: clinical testing. Allele origin: germline.
Comment: This sequence change replaces tyrosine, which is neutral and polar, with cysteine, which is neutral and slightly polar, at codon 230 of the GJA1 protein (p.Tyr230Cys). This variant is not present in population databases (gnomAD no frequency). This variant has not been reported in the literature in individuals affected with GJA1-related conditions. Invitae Evidence Modeling of protein sequence and biophysical properties (such as structural, functional, and spatial information, amino acid conservation, physicochemical variation, residue mobility, and thermodynamic stability) has been performed for this missense variant. However, the output from this modeling did not meet the statistical confidence thresholds required to predict the impact of this variant on GJA1 protein function. In summary, the available evidence is currently insufficient to determine the role of this variant in disease. Therefore, it has been classified as a Variant of Uncertain Significance.

Dasa
Classification: Uncertain significance. Last evaluated: 2025-01-03. Review status: criteria provided, single submitter. Criteria: DASA Assertion Criteria. Collection method: clinical testing. Allele origin: germline.
Comment: NM_000165.5(GJA1):c.689A>G (p.Tyr230Cys) is a missense variant that results in the substitution of tyrosine with cysteine. This variant is absent from population databases. Computational prediction algorithms are consistent with a deleterious effect. The currently available literature and clinical evidence are not sufficient to establish a definitive association between this variant and the reported condition. Therefore, this variant is classified as a variant of uncertain significance.